The following is an entry in ClinVar:

NM_001032386.2(SUOX):c.1428T>A (p.Asp476Glu)

Gene: SUOX (sulfite oxidase; plus strand). Cytogenetic location: 12q13.2.
Variant type: single nucleotide variant.
Coding change: c.1428T>A on transcript NM_001032386.2 (MANE Select); coding-DNA position 1428, T replaced by A.
Protein change: p.Asp476Glu; replaces aspartic acid 476 with glutamic acid.
Molecular consequence: missense variant.
Genome position (GRCh38, 1-based): chr12:56,004,817, T>A. VCF-style: chr12-56004817-T-A. GRCh37 (hg19) VCF-style: chr12-56398601-T-A.
Other names: c.1428T>A, p.Asp476Glu (NM_000456.3, NM_001032387.2); short protein forms D476E.
Identifiers: ClinVar variation 2130245 (VCV002130245.4), dbSNP rs1009214127, ClinGen allele CA385294770.

ClinVar aggregate classification (germline): Uncertain significance (1 of 4 stars; one submission).

Conditions:
Sulfite oxidase deficiency. Also called: Isolated sulfite oxidase deficiency. Identifiers: Orphanet 833, Orphanet 99731, MedGen C0268624, MONDO:0010089, OMIM 272300, HP:0003643.

Submission:

Labcorp Genetics (formerly Invitae), Labcorp
Classification: Uncertain significance for Sulfite oxidase deficiency. Last evaluated: 2025-03-31. Review status: criteria provided, single submitter. Criteria: Invitae Variant Classification Sherloc (09022015). Collection method: clinical testing. Allele origin: germline.
Comment: This sequence change replaces aspartic acid, which is acidic and polar, with glutamic acid, which is acidic and polar, at codon 476 of the SUOX protein (p.Asp476Glu). This variant is not present in population databases (gnomAD no frequency). This variant has not been reported in the literature in individuals affected with SUOX-related conditions. ClinVar contains an entry for this variant (Variation ID: 2130245). Invitae Evidence Modeling of protein sequence and biophysical properties (such as structural, functional, and spatial information, amino acid conservation, physicochemical variation, residue mobility, and thermodynamic stability) indicates that this missense variant is not expected to disrupt SUOX protein function with a negative predictive value of 95%. In summary, the available evidence is currently insufficient to determine the role of this variant in disease. Therefore, it has been classified as a Variant of Uncertain Significance.